The following is an entry in ClinVar:

NM_002485.5(NBN):c.1160C>G (p.Ser387Cys)

Gene: NBN (nibrin; minus strand). Cytogenetic location: 8q21.3.
Variant type: single nucleotide variant.
Coding change: c.1160C>G on transcript NM_002485.5 (MANE Select); coding-DNA position 1160, C replaced by G.
Protein change: p.Ser387Cys; replaces serine 387 with cysteine.
Molecular consequence: missense variant.
Genome position (GRCh38, 1-based): chr8:89,955,520, G>C on the plus strand (C>G on the coding strand, the complement: NBN is on the minus strand). VCF-style: chr8-89955520-G-C. GRCh37 (hg19) VCF-style: chr8-90967748-G-C.
Other names: c.914C>G, p.Ser305Cys (NM_001024688.3); short protein forms S387C, S305C.
Identifiers: ClinVar variation 232200 (VCV000232200.22), dbSNP rs747632184, ClinGen allele CA4802785.

ClinVar aggregate classification (germline): Conflicting classifications of pathogenicity. Review status: criteria provided, conflicting classifications (1 of 4 stars). 5 submissions from 5 submitters: Uncertain significance (3); Likely benign (1). 1 of the submissions does not count toward it. Last evaluated 2023-04-18.

Conditions:
Hereditary cancer-predisposing syndrome. Also called: Hereditary Cancer Syndrome; Neoplastic Syndromes, Hereditary; Tumor predisposition; Hereditary neoplastic syndrome. Identifiers: Orphanet 140162, MedGen C0027672, MeSH D009386, MONDO:0015356.
Microcephaly, normal intelligence and immunodeficiency (NBS). Also called: BERLIN BREAKAGE SYNDROME; Ataxia telangiectasia variant V1; IMMUNODEFICIENCY, MICROCEPHALY, AND CHROMOSOMAL INSTABILITY; SEEMANOVA SYNDROME II; Nijmegen breakage syndrome; Microcephaly with normal intelligence immunodeficiency and lymphoreticular malignancies. Identifiers: Orphanet 647, MedGen C0398791, MONDO:0009623, OMIM 251260.

Allele frequency attached by ClinVar (database versions not stated): gnomAD below 0.00001 and 0.00001; gnomAD exomes 0.00004 and 0.00007; ExAC 0.00013.
gnomAD v4.1: 52 of 1,613,258 alleles (0.0032%); highest among the groups gnomAD compares: South Asian, 0.057%; 1 homozygote.

Submissions (5):

Quest Diagnostics Nichols Institute San Juan Capistrano
Classification: Uncertain significance. Last evaluated: 2023-04-18. Review status: criteria provided, single submitter. Criteria: Quest Diagnostics criteria. Collection method: clinical testing. Allele origin: unknown.
Comment: To the best of our knowledge, the variant has not been reported in the published literature. The frequency of this variant in the general population, 0.00056 (17/30580 chromosomes), is uninformative in assessment of its pathogenicity. Analysis of this variant using bioinformatics tools for the prediction of the effect of amino acid changes on protein structure and function yielded conflicting predictions that this variant is benign or damaging. Based on the available information, we are unable to determine the clinical significance of this variant.

Ambry Genetics
Classification: Likely benign for Hereditary cancer-predisposing syndrome. Last evaluated: 2022-10-31. Review status: criteria provided, single submitter. Criteria: Ambry Variant Classification Scheme 2023. Collection method: clinical testing. Allele origin: germline.

Labcorp Genetics (formerly Invitae), Labcorp
Classification: Uncertain significance for Microcephaly, normal intelligence and immunodeficiency. Last evaluated: 2022-08-27. Review status: criteria provided, single submitter. Criteria: Invitae Variant Classification Sherloc (09022015). Collection method: clinical testing. Allele origin: germline.
Comment: This sequence change replaces serine, which is neutral and polar, with cysteine, which is neutral and slightly polar, at codon 387 of the NBN protein (p.Ser387Cys). This variant is present in population databases (rs747632184, gnomAD 0.06%). This variant has not been reported in the literature in individuals affected with NBN-related conditions. ClinVar contains an entry for this variant (Variation ID: 232200). Algorithms developed to predict the effect of missense changes on protein structure and function (SIFT, PolyPhen-2, Align-GVGD) all suggest that this variant is likely to be tolerated. In summary, the available evidence is currently insufficient to determine the role of this variant in disease. Therefore, it has been classified as a Variant of Uncertain Significance.

Genome-Nilou Lab
Classification: Uncertain significance for Microcephaly, normal intelligence and immunodeficiency. Last evaluated: 2021-11-07. Review status: criteria provided, single submitter. Criteria: ACMG Guidelines, 2015. Collection method: clinical testing. Allele origin: germline. Affected: no.

Natera, Inc.
Classification: Uncertain significance for Nijmegen breakage syndrome. Last evaluated: 2020-03-20. Review status: no assertion criteria provided. Collection method: clinical testing. Allele origin: germline. Not counted in ClinVar's aggregate classification.